The following is an entry in ClinVar:

ClinVar aggregate classification (germline): Likely pathogenic (1 of 4 stars; one submission).

Conditions:
Autosomal recessive nonsyndromic hearing loss 9. Also called: NEUROSENSORY NONSYNDROMIC RECESSIVE DEAFNESS 9; OTOF-Related Hearing Loss; Deafness, autosomal recessive 9; AUDITORY NEUROPATHY, AUTOSOMAL RECESSIVE, 1, TEMPERATURE-SENSITIVE. Identifiers: Orphanet 90636, MedGen C1832828, MONDO:0010986, OMIM 601071.

Submission:

Institute of Rare Diseases, West China Hospital, Sichuan University
Classification: Likely pathogenic for Autosomal recessive nonsyndromic hearing loss 9. Last evaluated: 2025-01-09. Review status: criteria provided, single submitter. Criteria: ClinGen HL ACMG Specifications v1. Collection method: research. Allele origin: germline. Affected: yes.
Comment: PVS1;PM2_Supporting

NM_194248.3(OTOF):c.3454C>T (p.Gln1152Ter)

Gene: OTOF (otoferlin; minus strand). Cytogenetic location: 2p23.3.
Variant type: single nucleotide variant.
Coding change: c.3454C>T on transcript NM_194248.3 (MANE Select); coding-DNA position 3454, C replaced by T.
Protein change: p.Gln1152Ter; replaces glutamine 1152 with a stop codon.
Molecular consequence: nonsense.
Genome position (GRCh38, 1-based): chr2:26,473,522, G>A on the plus strand (C>T on the coding strand, the complement: OTOF is on the minus strand). VCF-style: chr2-26473522-G-A. GRCh37 (hg19) VCF-style: chr2-26696390-G-A.
Other names: c.3454C>T, p.Gln1152Ter (NM_001287489.2); c.1213C>T, p.Gln405Ter (NM_004802.4, NM_194323.3); c.1384C>T, p.Gln462Ter (NM_194322.3); short protein forms Q1152*, Q405*, Q462*.
Identifiers: ClinVar variation 3601518 (VCV003601518.1).